The following is an entry in ClinVar:

NM_006121.4(KRT1):c.1527C>T (p.His509=)

Gene: KRT1 (keratin 1; minus strand). Cytogenetic location: 12q13.13.
Variant type: single nucleotide variant.
Coding change: c.1527C>T on transcript NM_006121.4 (MANE Select); coding-DNA position 1527, C replaced by T.
Protein change: p.His509=; no amino-acid change (histidine 509 retained).
Molecular consequence: synonymous variant.
Genome position (GRCh38, 1-based): chr12:52,675,601, G>A on the plus strand (C>T on the coding strand, the complement: KRT1 is on the minus strand). VCF-style: chr12-52675601-G-A. GRCh37 (hg19) VCF-style: chr12-53069385-G-A.
Identifiers: ClinVar variation 309640 (VCV000309640.5), dbSNP rs371428130, ClinGen allele CA6586111.

ClinVar aggregate classification (germline): Benign/Likely benign. Review status: criteria provided, single submitter (1 of 4 stars). 2 submissions from 1 submitter: Benign (1); Likely benign (1). Last evaluated 2018-01-13.

Conditions:
Diffuse nonepidermolytic palmoplantar keratoderma (NEPPK). Also called: Nonepidermolytic palmoplantar hyperkeratosis; Nonepidermolytic palmoplantar keratoderma. Identifiers: Orphanet 530838, MedGen C1833030, MONDO:0010962, OMIM 600962, HP:0007404.
Epidermolytic ichthyosis. Also called: Congenital bullous ichthyosiform erythroderma; Bullous ichthyosiform erythroderma; Epidermolytic Hyperkeratosis; KRT10-Related Epidermolytic Hyperkeratosis. Identifiers: Orphanet 312, MedGen C0079153, MONDO:0007239, HP:0007475.

Allele frequency attached by ClinVar (database versions not stated): gnomAD 0.00004 and 0.00005; ExAC 0.00005; gnomAD exomes 0.00005; TOPMed 0.00006; ESP Exome Variant Server 0.00008.
gnomAD v4.1: 78 of 1,613,994 alleles (0.0048%); highest among the groups gnomAD compares: Middle Eastern, 0.25%; 2 homozygotes.

Submissions (2):

Illumina Laboratory Services, Illumina
Classification: Benign for Epidermolytic hyperkeratosis 1. Last evaluated: 2018-01-13. Review status: criteria provided, single submitter. Criteria: ICSL Variant Classification Criteria 13 December 2019. Collection method: clinical testing. Allele origin: germline.
Comment: This variant was observed in the ICSL laboratory as part of a predisposition screen in an ostensibly healthy population. It had not been previously curated by ICSL or reported in the Human Gene Mutation Database (HGMD: prior to June 1st, 2018), and was therefore a candidate for classification through an automated scoring system. Utilizing variant allele frequency, disease prevalence and penetrance estimates, and inheritance mode, an automated score was calculated to assess if this variant is too frequent to cause the disease. Based on the score and internal cut-off values, a variant classified as benign is not then subjected to further curation. The score for this variant resulted in a classification of benign for this disease.

Illumina Laboratory Services, Illumina
Classification: Likely benign for Diffuse nonepidermolytic palmoplantar keratoderma. Last evaluated: 2018-01-13. Review status: criteria provided, single submitter. Criteria: ICSL Variant Classification Criteria 13 December 2019. Collection method: clinical testing. Allele origin: germline.
Comment: This variant was observed in the ICSL laboratory as part of a predisposition screen in an ostensibly healthy population. It had not been previously curated by ICSL or reported in the Human Gene Mutation Database (HGMD: prior to June 1st, 2018), and was therefore a candidate for classification through an automated scoring system. Utilizing variant allele frequency, disease prevalence and penetrance estimates, and inheritance mode, an automated score was calculated to assess if this variant is too frequent to cause the disease. Based on the score and internal cut-off values, a variant classified as likely benign is not then subjected to further curation. The score for this variant resulted in a classification of likely benign for this disease.